The following is an entry in ClinVar:

ClinVar aggregate classification (germline): Uncertain significance (1 of 4 stars; one submission).

Conditions:
Congenital myasthenic syndrome 8. Also called: Myasthenic syndrome, congenital, 8, with pre- and postsynaptic defects; MYASTHENIC SYNDROME, CONGENITAL, DUE TO AGRIN DEFICIENCY. Identifiers: Orphanet 590, MedGen C3808739, MONDO:0014052, OMIM 615120.

Submission:

Labcorp Genetics (formerly Invitae), Labcorp
Classification: Uncertain significance for Congenital myasthenic syndrome 8. Last evaluated: 2022-08-21. Review status: criteria provided, single submitter. Criteria: Invitae Variant Classification Sherloc (09022015). Collection method: clinical testing. Allele origin: germline.
Comment: This sequence change replaces asparagine, which is neutral and polar, with aspartic acid, which is acidic and polar, at codon 135 of the AGRN protein (p.Asn135Asp). This variant is not present in population databases (gnomAD no frequency). This variant has not been reported in the literature in individuals affected with AGRN-related conditions. Algorithms developed to predict the effect of missense changes on protein structure and function are either unavailable or do not agree on the potential impact of this missense change (SIFT: "Deleterious"; PolyPhen-2: "Benign"; Align-GVGD: "Class C0"). In summary, the available evidence is currently insufficient to determine the role of this variant in disease. Therefore, it has been classified as a Variant of Uncertain Significance.

NM_198576.4(AGRN):c.403A>G (p.Asn135Asp)

Genes: AGRN (agrin; plus strand), LOC126805576 (P300/CBP strongly-dependent group 1 enhancer GRCh37_chr1:956772-957971; plus strand). Cytogenetic location: 1p36.33.
Variant type: single nucleotide variant.
Coding change: c.403A>G on transcript NM_198576.4 (MANE Select); coding-DNA position 403, A replaced by G.
Protein change: p.Asn135Asp; replaces asparagine 135 with aspartic acid.
Molecular consequence: missense variant.
Genome position (GRCh38, 1-based): chr1:1,022,402, A>G. VCF-style: chr1-1022402-A-G. GRCh37 (hg19) VCF-style: chr1-957782-A-G.
Other names: c.403A>G, p.Asn135Asp (NM_001305275.2); short protein forms N135D.
Identifiers: ClinVar variation 1717338 (VCV001717338.3), dbSNP rs2523176765, ClinGen allele CA337813567.
Genomic context (GRCh38, chr1:1,022,402, plus strand): 5'-TTCTTTGTGAACCCTGCACCCCCATACCTGTGGCCAGCCCACAAGAACGAGCTGATGCTC[A>G]ACTCCAGCCTCATGCGGATCACCCTGCGGAACCTGGAGGAGGTGGAGTTCTGTGTGGAAG-3'
Protein context (NP_940978.2, residues 125-145): WPAHKNELML[Asn135Asp]SSLMRITLRN